The following is an entry in ClinVar:

ClinVar aggregate classification (germline): Uncertain significance (1 of 4 stars; one submission).

Conditions:
Cardiovascular phenotype. Identifiers: MedGen CN230736.

gnomAD v4.1: 2 of 1,610,944 alleles (0.00012%); highest among the groups gnomAD compares: African/African-American, 0.0013%; no homozygotes.

Submission:

Ambry Genetics
Classification: Uncertain significance for Cardiovascular phenotype. Last evaluated: 2026-01-02. Review status: criteria provided, single submitter. Criteria: Ambry Variant Classification Scheme 2023. Collection method: clinical testing. Allele origin: germline.
Comment: The p.T453I variant (also known as c.1358C>T), located in coding exon 21 of the TRDN gene, results from a C to T substitution at nucleotide position 1358. The threonine at codon 453 is replaced by isoleucine, an amino acid with similar properties. This amino acid position is conserved. In addition, this alteration is predicted to be tolerated by in silico analysis. Based on the available evidence, the clinical significance of this variant remains unclear.

NM_006073.4(TRDN):c.1358C>T (p.Thr453Ile)

Gene: TRDN (triadin; minus strand). Cytogenetic location: 6q22.31.
Variant type: single nucleotide variant.
Coding change: c.1358C>T on transcript NM_006073.4 (MANE Select); coding-DNA position 1358, C replaced by T.
Protein change: p.Thr453Ile; replaces threonine 453 with isoleucine.
Molecular consequence: missense variant.
Genome position (GRCh38, 1-based): chr6:123,352,550, G>A on the plus strand (C>T on the coding strand, the complement: TRDN is on the minus strand). VCF-style: chr6-123352550-G-A. GRCh37 (hg19) VCF-style: chr6-123673695-G-A.
Other names: c.1361C>T, p.Thr454Ile (NM_001251987.2); c.1301C>T, p.Thr434Ile (NM_001407315.1); short protein forms T434I, T454I, T453I.
Identifiers: ClinVar variation 4841521 (VCV004841521.1).